The following is an entry in ClinVar:

NM_001029896.2(WDR45):c.335A>G (p.His112Arg)

Gene: WDR45 (WD repeat domain 45; minus strand). Cytogenetic location: Xp11.23.
Variant type: single nucleotide variant.
Coding change: c.335A>G on transcript NM_001029896.2 (MANE Select); coding-DNA position 335, A replaced by G.
Protein change: p.His112Arg; replaces histidine 112 with arginine.
Molecular consequence: missense variant.
Genome position (GRCh38, 1-based): chrX:49,076,651, T>C on the plus strand (A>G on the coding strand, the complement: WDR45 is on the minus strand). VCF-style: chrX-49076651-T-C. GRCh37 (hg19) VCF-style: chrX-48934310-T-C.
Other names: c.338A>G, p.His113Arg (NM_007075.4); short protein forms H112R, H113R.
Identifiers: ClinVar variation 2823037 (VCV002823037.3), dbSNP rs2520264082, ClinGen allele CA412946621.

ClinVar aggregate classification (germline): Uncertain significance (1 of 4 stars; one submission).

Conditions:
Neurodegeneration with brain iron accumulation 5 (NBIA5). Also called: Beta-propeller protein-associated neurodegeneration; STATIC ENCEPHALOPATHY OF CHILDHOOD WITH NEURODEGENERATION IN ADULTHOOD. Identifiers: Orphanet 329284, MedGen C3550973, MONDO:0010476, OMIM 300894.

Submission:

Labcorp Genetics (formerly Invitae), Labcorp
Classification: Uncertain significance for Neurodegeneration with brain iron accumulation 5. Last evaluated: 2022-12-21. Review status: criteria provided, single submitter. Criteria: Invitae Variant Classification Sherloc (09022015). Collection method: clinical testing. Allele origin: germline.
Comment: In summary, the available evidence is currently insufficient to determine the role of this variant in disease. Therefore, it has been classified as a Variant of Uncertain Significance. Advanced modeling of protein sequence and biophysical properties (such as structural, functional, and spatial information, amino acid conservation, physicochemical variation, residue mobility, and thermodynamic stability) performed at Invitae indicates that this missense variant is not expected to disrupt WDR45 protein function. This variant has not been reported in the literature in individuals affected with WDR45-related conditions. This variant is not present in population databases (gnomAD no frequency). This sequence change replaces histidine, which is basic and polar, with arginine, which is basic and polar, at codon 113 of the WDR45 protein (p.His113Arg).